The following is an entry in ClinVar:

NM_182915.3(STEAP3):c.666G>A (p.Trp222Ter)

Genes: STEAP3 (STEAP3 metalloreductase; plus strand), STEAP3-AS1 (STEAP3 antisense RNA 1; minus strand). Cytogenetic location: 2q14.2.
Variant type: single nucleotide variant.
Coding change: c.666G>A on transcript NM_182915.3 (MANE Select); coding-DNA position 666, G replaced by A.
Protein change: p.Trp222Ter; replaces tryptophan 222 with a stop codon.
Molecular consequence: nonsense.
Genome position (GRCh38, 1-based): chr2:119,247,822, G>A. VCF-style: chr2-119247822-G-A. GRCh37 (hg19) VCF-style: chr2-120005398-G-A.
Other names: c.636G>A, p.Trp212Ter (NM_001008410.2, NM_018234.3, NM_138637.3); short protein forms W212*, W222*.
Identifiers: ClinVar variation 5020626 (VCV005020626.1).

ClinVar aggregate classification (germline): Uncertain significance (1 of 4 stars; one submission).

gnomAD v4.1: 4 of 1,612,888 alleles (0.00025%); highest among the groups gnomAD compares: South Asian, 0.0044%; no homozygotes.

Submission:

Dasa
Classification: Uncertain significance. Last evaluated: 2026-05-04. Review status: criteria provided, single submitter. Criteria: DASA Assertion Criteria. Collection method: clinical testing. Allele origin: germline.
Comment: NM_182915.3(STEAP3):c.666G>A (p.Trp222*) is a nonsense variant in STEAP3 predicted to introduce a premature termination codon. This variant is rare in population databases. The currently available literature and clinical evidence are not sufficient to establish a definitive association between this variant and the reported condition. Therefore, this variant is classified as a variant of uncertain significance.